The following is an entry in ClinVar:

ClinVar aggregate classification (germline): Likely benign. Review status: criteria provided, multiple submitters, no conflicts (2 of 4 stars). 2 submissions from 2 submitters: Likely benign (2). Last evaluated 2026-06-01.

Conditions:
Congenital heart defects, multiple types, 4 (CHTD4). Identifiers: MedGen C4014310, MONDO:0014344, OMIM 615779.

Allele frequency attached by ClinVar (database versions not stated): gnomAD exomes 0.00001; TOPMed 0.00001.

Submissions (2):

CeGaT Center for Human Genetics Tuebingen
Classification: Likely benign. Last evaluated: 2026-06-01. Review status: criteria provided, single submitter. Criteria: CeGaT Center For Human Genetics Tuebingen Variant Classification Criteria Version 2. Collection method: clinical testing. Allele origin: germline. Affected: yes. Observed: 1 variant allele.
Comment: NR2F2: BP4, BP7

Labcorp Genetics (formerly Invitae), Labcorp
Classification: Likely benign for Congenital heart defects, multiple types, 4. Last evaluated: 2023-09-21. Review status: criteria provided, single submitter. Criteria: Invitae Variant Classification Sherloc (09022015). Collection method: clinical testing. Allele origin: germline.

NM_021005.4(NR2F2):c.150C>T (p.Ser50=)

Gene: NR2F2 (nuclear receptor subfamily 2 group F member 2; plus strand). Cytogenetic location: 15q26.2.
Variant type: single nucleotide variant.
Coding change: c.150C>T on transcript NM_021005.4 (MANE Select); coding-DNA position 150, C replaced by T.
Protein change: p.Ser50=; no amino-acid change (serine 50 retained).
Molecular consequence: synonymous variant. On other transcripts: intron variant (1).
Genome position (GRCh38, 1-based): chr15:96,332,255, C>T. VCF-style: chr15-96332255-C-T. GRCh37 (hg19) VCF-style: chr15-96875484-C-T.
Other names: c.44-1821C>T (NM_001145155.2).
Identifiers: ClinVar variation 2916730 (VCV002916730.5), dbSNP rs776999377, ClinGen allele CA7750659.